The following is an entry in ClinVar:

ClinVar aggregate classification (germline): Uncertain significance (1 of 4 stars; one submission).

Conditions:
Acrocallosal syndrome (ACLS). Also called: Schinzel syndrome 1; Absence of corpus callosum with unusual facial appearance, mental deficiency, duplication of the halluces and polydactyly; HALLUX DUPLICATION, POSTAXIAL POLYDACTYLY, AND ABSENCE OF CORPUS CALLOSUM. Identifiers: Orphanet 36, MedGen C0796147, MONDO:0008708, OMIM 200990.

Submission:

Labcorp Genetics (formerly Invitae), Labcorp
Classification: Uncertain significance for Acrocallosal syndrome. Last evaluated: 2023-08-04. Review status: criteria provided, single submitter. Criteria: Invitae Variant Classification Sherloc (09022015). Collection method: clinical testing. Allele origin: germline.
Comment: This variant, c.1309_1311dup, results in the insertion of 1 amino acid(s) of the KIF7 protein (p.Ala437dup), but otherwise preserves the integrity of the reading frame. This variant is present in population databases (no rsID available, gnomAD 0.01%). This variant has not been reported in the literature in individuals affected with KIF7-related conditions. In summary, the available evidence is currently insufficient to determine the role of this variant in disease. Therefore, it has been classified as a Variant of Uncertain Significance.

NM_198525.3(KIF7):c.1303GCC[4] (p.Ala437_Arg438insAla)

Gene: KIF7 (kinesin family member 7; minus strand). Cytogenetic location: 15q26.1.
Variant type: Microsatellite.
Coding change: c.1303GCC[4] on transcript NM_198525.3 (MANE Select); four copies in a row of the 3-base unit GCC starting at c.1303; the reference has three copies in a row; one copy, 3 bases duplicated.
Protein change: p.Ala437_Arg438insAla.
Molecular consequence: inframe insertion.
Genome position (GRCh38, 1-based): chr15:89,648,387-89,648,389, GGC duplicated on the plus strand (GCC on the coding strand, the reverse complement: KIF7 is on the minus strand); duplicating any 3 consecutive bases within chr15:89,648,387-89,648,396 gives the same sequence; the position shown is the placement nearest the transcript's 3' end. VCF-style (leftmost placement, unchanged base first): chr15-89648386-G-GGGC. GRCh37 (hg19) VCF-style: chr15-90191617-G-GGGC.
Identifiers: ClinVar variation 2154527 (VCV002154527.2), dbSNP rs1567067150, ClinGen allele CA619525785.